The following is an entry in ClinVar:

NM_000059.4(BRCA2):c.1970T>A (p.Leu657Ter)

Gene: BRCA2 (BRCA2 DNA repair associated; plus strand). Cytogenetic location: 13q13.1.
Variant type: single nucleotide variant.
Coding change: c.1970T>A on transcript NM_000059.4 (MANE Select); coding-DNA position 1970, T replaced by A.
Protein change: p.Leu657Ter; replaces leucine 657 with a stop codon.
Molecular consequence: nonsense.
Genome position (GRCh38, 1-based): chr13:32,336,325, T>A. VCF-style: chr13-32336325-T-A. GRCh37 (hg19) VCF-style: chr13-32910462-T-A.
Other names: 2198T>A; short protein forms L657*.
Identifiers: ClinVar variation 37771 (VCV000037771.22), dbSNP rs397507279, ClinGen allele CA014065.

ClinVar aggregate classification (germline): Pathogenic. Review status: reviewed by expert panel (3 of 4 stars). 6 submissions from 6 submitters: Pathogenic (1). 5 of the submissions do not count toward it. Last evaluated 2016-09-08.

Conditions:
Hereditary cancer-predisposing syndrome. Also called: Tumor predisposition; Neoplastic Syndromes, Hereditary; Hereditary neoplastic syndrome; Hereditary Cancer Syndrome. Identifiers: Orphanet 140162, MedGen C0027672, MeSH D009386, MONDO:0015356.
Hereditary breast ovarian cancer syndrome. Also called: Hereditary breast and ovarian cancer; Hereditary breast and ovarian cancer syndrome (HBOC); Hereditary breast and/or ovarian cancer syndrome; Breast and ovarian cancer; Hereditary breast and ovarian cancer syndrome; BRCA1- and BRCA2-Associated Hereditary Breast and Ovarian Cancer. Identifiers: Orphanet 145, MedGen C0677776, MeSH D061325, MONDO:0003582. Disease mechanism: loss of function.
Breast-ovarian cancer, familial, susceptibility to, 2 (BROVCA2). Also called: BRCA2 Hereditary Breast and Ovarian Cancer. Identifiers: Orphanet 145, MedGen C2675520, MONDO:0012933, OMIM 612555. Disease mechanism: loss of function.
Familial cancer of breast. Also called: Hereditary breast cancer; BREAST CANCER, FAMILIAL; hereditary breast carcinoma. Identifiers: Orphanet 227535, MedGen C0346153, MONDO:0016419, OMIM 114480. Disease mechanism: loss of function.

Allele frequency attached by ClinVar (database versions not stated): gnomAD 0.00001.

Submissions (6):

Evidence-based Network for the Interpretation of Germline Mutant Alleles (ENIGMA)
Classification: Pathogenic for Breast-ovarian cancer, familial, susceptibility to, 2. Last evaluated: 2016-09-08. Review status: reviewed by expert panel. Criteria: ENIGMA BRCA1/2 Classification Criteria (2015). Collection method: curation. Allele origin: germline.
Comment: Variant allele predicted to encode a truncated non-functional protein.

Ambry Genetics
Classification: Pathogenic for Hereditary cancer-predisposing syndrome. Last evaluated: 2025-08-28. Review status: criteria provided, single submitter. Criteria: Ambry Variant Classification Scheme 2023. Collection method: clinical testing. Allele origin: germline. Not counted in ClinVar's aggregate classification.
Comment: The p.L657* pathogenic mutation (also known as c.1970T>A), located in coding exon 10 of the BRCA2 gene, results from a T to A substitution at nucleotide position 1970. This changes the amino acid from a leucine to a stop codon within coding exon 10. This alteration is expected to result in loss of function by premature protein truncation or nonsense-mediated mRNA decay. As such, this alteration is interpreted as a disease-causing mutation.

Labcorp Genetics (formerly Invitae), Labcorp
Classification: Pathogenic for Hereditary breast ovarian cancer syndrome. Last evaluated: 2025-04-02. Review status: criteria provided, single submitter. Criteria: Invitae Variant Classification Sherloc (09022015). Collection method: clinical testing. Allele origin: germline. Not counted in ClinVar's aggregate classification.
Comment: This sequence change creates a premature translational stop signal (p.Leu657*) in the BRCA2 gene. It is expected to result in an absent or disrupted protein product. Loss-of-function variants in BRCA2 are known to be pathogenic (PMID: 20104584). This variant is present in population databases (rs397507279, gnomAD 0.01%). This variant has not been reported in the literature in individuals affected with BRCA2-related conditions. ClinVar contains an entry for this variant (Variation ID: 37771). For these reasons, this variant has been classified as Pathogenic.

GeneDx
Classification: Pathogenic. Last evaluated: 2024-12-08. Review status: criteria provided, single submitter. Criteria: GeneDx Variant Classification Process June 2021. Collection method: clinical testing. Allele origin: germline. Affected: yes. Not counted in ClinVar's aggregate classification.
Comment: Nonsense variant predicted to result in protein truncation or nonsense mediated decay in a gene for which loss of function is a known mechanism of disease; Not observed at significant frequency in large population cohorts (gnomAD); Truncating variants in this gene are considered pathogenic by a well-established clinical consortium and/or database; Also known as 2198T>A; This variant is associated with the following publications: (PMID: 30787465, 20104584, 29356034, 30720243, 32832836)

Baylor Genetics
Classification: Pathogenic for Familial cancer of breast. Last evaluated: 2023-12-18. Review status: criteria provided, single submitter. Criteria: ACMG Guidelines, 2015. Collection method: clinical testing. Allele origin: unknown. Not counted in ClinVar's aggregate classification.

Sharing Clinical Reports Project (SCRP)
Classification: Pathogenic for Breast-ovarian cancer, familial 2. Last evaluated: 2010-06-14. Review status: no assertion criteria provided. Collection method: clinical testing. Allele origin: germline. Not counted in ClinVar's aggregate classification.

Literature cited by the submitters: PubMed 29356034 (cited by Ambry Genetics); PubMed 20104584 (cited by Labcorp Genetics (formerly Invitae), Labcorp).